The following is an entry in ClinVar:

ClinVar aggregate classification (germline): Uncertain significance (1 of 4 stars; one submission).

Conditions:
3-Methylglutaconic aciduria type 2 (BTHS). Also called: Barth syndrome; CARDIOSKELETAL MYOPATHY WITH NEUTROPENIA AND ABNORMAL MITOCHONDRIA. Identifiers: Orphanet 111, MedGen C0574083, MONDO:0010543, OMIM 302060.

Submission:

Labcorp Genetics (formerly Invitae), Labcorp
Classification: Uncertain significance for 3-Methylglutaconic aciduria type 2. Last evaluated: 2024-10-30. Review status: criteria provided, single submitter. Criteria: Invitae Variant Classification Sherloc (09022015). Collection method: clinical testing. Allele origin: germline.
Comment: This sequence change affects codon 136 of the TAZ mRNA. It is a 'silent' change, meaning that it does not change the encoded amino acid sequence of the TAZ protein. This variant is not present in population databases (gnomAD no frequency). This variant has not been reported in the literature in individuals affected with TAZ-related conditions. Algorithms developed to predict the effect of sequence changes on RNA splicing suggest that this variant may disrupt the consensus splice site. In summary, the available evidence is currently insufficient to determine the role of this variant in disease. Therefore, it has been classified as a Variant of Uncertain Significance.

NM_000116.5(TAFAZZIN):c.408T>G (p.Gly136=)

Gene: TAFAZZIN (tafazzin, phospholipid-lysophospholipid transacylase; plus strand). Cytogenetic location: Xq28.
Variant type: single nucleotide variant.
Coding change: c.408T>G on transcript NM_000116.5 (MANE Select); coding-DNA position 408, T replaced by G.
Protein change: p.Gly136=; no amino-acid change (glycine 136 retained).
Molecular consequence: synonymous variant. On other transcripts: intron variant (3).
Genome position (GRCh38, 1-based): chrX:154,414,138, T>G. VCF-style: chrX-154414138-T-G. GRCh37 (hg19) VCF-style: chrX-153642475-T-G.
Other names: c.462T>G, p.Gly154= (NM_001303465.2); c.408T>G, p.Gly136= (NM_181312.4); c.424+571T>G (NM_001410698.1); c.370+571T>G (NM_181311.4, NM_181313.4).
Identifiers: ClinVar variation 3626190 (VCV003626190.2).
Genomic context (GRCh38, chrX:154,414,138, plus strand): 5'-CCAGATTGCTCCTTCCTCTGCAGGAGCAGAATTTTTCCAAGCAGAGAATGAGGGGAAAGG[T>G]GTTCTAGACACAGGCAGGCACATGCCAGGTGCTGGAAAAAGAAGAGAGAAAGGTAAGCCA-3'
Protein context (NP_000107.1, residues 126-146): EFFQAENEGK[Gly136=]VLDTGRHMPG